The following is an entry in ClinVar:

ClinVar aggregate classification (germline): Conflicting classifications of pathogenicity. Review status: criteria provided, conflicting classifications (1 of 4 stars). 5 submissions from 5 submitters: Uncertain significance (3); Benign (1); Likely benign (1). Last evaluated 2026-01-15.

Conditions:
Hypogonadotropic hypogonadism 5 with or without anosmia (KAL5). Also called: HYPOGONADOTROPIC HYPOGONADISM 5 WITH ANOSMIA; HYPOGONADOTROPHIC HYPOGONADISM 5 WITHOUT ANOSMIA; CHD7-Related GnRH Deficiency (Kallmann Syndrome 5). Identifiers: Orphanet 478, MedGen C3552553, MONDO:0012880, OMIM 612370. Disease mechanism: loss of function.
CHARGE syndrome (CHARGE). Also called: CHARGE ASSOCIATION--COLOBOMA, HEART ANOMALY, CHOANAL ATRESIA, RETARDATION, GENITAL AND EAR ANOMALIES; Coloboma, heart anomaly, choanal atresia, retardation, genital and ear anomalies; CHARGE association; Hall-Hittner syndrome; Hittner Hirsch Kreh syndrome. Identifiers: Orphanet 138, MedGen C0265354, MONDO:0008965.

Allele frequency attached by ClinVar (database versions not stated): gnomAD exomes below 0.00001 and 0.00001; TOPMed below 0.00001; gnomAD 0.00001.
gnomAD v4.1: 10 of 1,613,872 alleles (0.00062%); highest among the groups gnomAD compares: South Asian, 0.0011%; no homozygotes.

Submissions (5):

GeneDx
Classification: Uncertain significance. Last evaluated: 2026-01-15. Review status: criteria provided, single submitter. Criteria: GeneDx Variant Classification Process June 2021. Collection method: clinical testing. Allele origin: germline.
Comment: Not observed at significant frequency in large population cohorts (gnomAD); In silico analysis supports that this missense variant does not alter protein structure/function; Has not been previously published as pathogenic or benign to our knowledge

Labcorp Genetics (formerly Invitae), Labcorp
Classification: Benign for CHARGE syndrome. Last evaluated: 2025-09-07. Review status: criteria provided, single submitter. Criteria: Invitae Variant Classification Sherloc (09022015). Collection method: clinical testing. Allele origin: germline.

Fulgent Genetics
Classification: Uncertain significance for CHD7-related CHARGE syndrome; Hypogonadotropic hypogonadism 5 with or without anosmia. Last evaluated: 2024-06-20. Review status: criteria provided, single submitter. Criteria: ACMG Guidelines, 2015. Collection method: clinical testing. Allele origin: germline.

CeGaT Center for Human Genetics Tuebingen
Classification: Likely benign. Last evaluated: 2024-04-01. Review status: criteria provided, single submitter. Criteria: CeGaT Center For Human Genetics Tuebingen Variant Classification Criteria Version 2. Collection method: clinical testing. Allele origin: germline. Affected: yes. Observed: 1 variant allele.
Comment: CHD7: BP4

Illumina Laboratory Services, Illumina
Classification: Uncertain significance for Kallmann Syndrome 5. Last evaluated: 2018-01-12. Review status: criteria provided, single submitter. Criteria: ICSL Variant Classification Criteria 13 December 2019. Collection method: clinical testing. Allele origin: germline.

NM_017780.4(CHD7):c.308C>T (p.Ser103Leu)

Gene: CHD7 (chromodomain helicase DNA binding protein 7; plus strand). Cytogenetic location: 8q12.2.
Variant type: single nucleotide variant.
Coding change: c.308C>T on transcript NM_017780.4 (MANE Select); coding-DNA position 308, C replaced by T.
Protein change: p.Ser103Leu; replaces serine 103 with leucine.
Molecular consequence: missense variant.
Genome position (GRCh38, 1-based): chr8:60,741,740, C>T. VCF-style: chr8-60741740-C-T. GRCh37 (hg19) VCF-style: chr8-61654299-C-T.
Other names: c.308C>T (NM_017780.2); c.308C>T, p.Ser103Leu (NM_001316690.1); short protein forms S103L.
Identifiers: ClinVar variation 911659 (VCV000911659.28), dbSNP rs1242372187, ClinGen allele CA371297083.